The following is an entry in ClinVar:

ClinVar aggregate classification (germline): Likely pathogenic (1 of 4 stars; one submission).

Submission:

Mayo Clinic Laboratories, Mayo Clinic
Classification: Likely pathogenic. Last evaluated: 2025-08-25. Review status: criteria provided, single submitter. Criteria: ACMG Guidelines, 2015. Collection method: clinical testing. Allele origin: germline. Observed: 1 variant allele.
Comment: PM2_supporting, PVS1

NM_001848.3(COL6A1):c.2336del (p.Pro779fs)

Gene: COL6A1 (collagen type VI alpha 1 chain; plus strand). Cytogenetic location: 21q22.3.
Variant type: Deletion.
Coding change: c.2336del on transcript NM_001848.3 (MANE Select); coding-DNA position 2336, one base deleted (C; older notation c.2336delC).
Protein change: p.Pro779fs; shifts the reading frame from proline 779.
Molecular consequence: frameshift variant.
Genome position (GRCh38, 1-based): chr21:46,002,612, C deleted; the last of 2 consecutive C bases (chr21:46,002,611-46,002,612); deleting either gives the same sequence. VCF-style (leftmost placement, unchanged base first): chr21-46002610-AC-A. GRCh37 (hg19) VCF-style: chr21-47422524-AC-A.
Other names: p.Pro779Hisfs*24; short protein forms P779fs.
Identifiers: ClinVar variation 4542414 (VCV004542414.1).